The following is an entry in ClinVar:

NM_020937.4(FANCM):c.3556A>G (p.Asn1186Asp)

Gene: FANCM (FA complementation group M; plus strand). Cytogenetic location: 14q21.2.
Variant type: single nucleotide variant.
Coding change: c.3556A>G on transcript NM_020937.4 (MANE Select); coding-DNA position 3556, A replaced by G.
Protein change: p.Asn1186Asp; replaces asparagine 1186 with aspartic acid.
Molecular consequence: missense variant.
Genome position (GRCh38, 1-based): chr14:45,176,310, A>G. VCF-style: chr14-45176310-A-G. GRCh37 (hg19) VCF-style: chr14-45645513-A-G.
Other names: c.3556A>G (LRG_502t1); c.3478A>G, p.Asn1160Asp (NM_001308133.2); short protein forms N1186D, N1160D.
Identifiers: ClinVar variation 654058 (VCV000654058.9), dbSNP rs1375995948, ClinGen allele CA389602046.
Genomic context (GRCh38, chr14:45,176,310, plus strand): 5'-GCTATTAGTGAAACGCCTCTGGTCTCTCAGTTCTTAATTTCTGATGAACTTTTGTTGGAC[A>G]ATAATTCTGAACTCCAAGATCAAATCACCCGTGATGCTAATAGTTTTAAATCTCGTGATC-3'
Protein context (NP_065988.1, residues 1176-1196): FLISDELLLD[Asn1186Asp]NSELQDQITR

ClinVar aggregate classification (germline): Conflicting classifications of pathogenicity. Review status: criteria provided, conflicting classifications (1 of 4 stars). 2 submissions from 2 submitters: Uncertain significance (1); Likely benign (1). Last evaluated 2025-03-10.

Conditions:
Fanconi anemia (FA). Also called: Fanconi's anemia. Identifiers: Orphanet 84, MedGen C0015625, MeSH D005199, MONDO:0019391.
Inborn genetic diseases. Identifiers: MedGen C0950123, MeSH D030342.

Allele frequency attached by ClinVar (database versions not stated): gnomAD exomes below 0.00001.
gnomAD v4.1: 2 of 1,614,054 alleles (0.00012%); highest among the groups gnomAD compares: East Asian, 0.0022%; no homozygotes.

Submissions (2):

Ambry Genetics
Classification: Likely benign for Inborn genetic diseases. Last evaluated: 2025-03-10. Review status: criteria provided, single submitter. Criteria: Ambry Variant Classification Scheme 2023. Collection method: clinical testing. Allele origin: germline.

Labcorp Genetics (formerly Invitae), Labcorp
Classification: Uncertain significance for Fanconi anemia. Last evaluated: 2019-04-14. Review status: criteria provided, single submitter. Criteria: Invitae Variant Classification Sherloc (09022015). Collection method: clinical testing. Allele origin: germline.
Comment: This sequence change replaces asparagine with aspartic acid at codon 1186 of the FANCM protein (p.Asn1186Asp). The asparagine residue is weakly conserved and there is a small physicochemical difference between asparagine and aspartic acid. This variant is not present in population databases (ExAC no frequency). This variant has not been reported in the literature in individuals with FANCM-related conditions. Algorithms developed to predict the effect of missense changes on protein structure and function output the following: SIFT: "Tolerated"; PolyPhen-2: "Benign"; Align-GVGD: "Class C0". The aspartic acid amino acid residue is found in multiple mammalian species, suggesting that this missense change does not adversely affect protein function. These predictions have not been confirmed by published functional studies and their clinical significance is uncertain. In summary, the available evidence is currently insufficient to determine the role of this variant in disease. Therefore, it has been classified as a Variant of Uncertain Significance.